The following is an entry in ClinVar:

NM_020631.6(PLEKHG5):c.2720T>C (p.Leu907Pro)

Gene: PLEKHG5 (pleckstrin homology and RhoGEF domain containing G5; minus strand). Cytogenetic location: 1p36.31.
Variant type: single nucleotide variant.
Coding change: c.2720T>C on transcript NM_020631.6 (MANE Select); coding-DNA position 2720, T replaced by C.
Protein change: p.Leu907Pro; replaces leucine 907 with proline.
Molecular consequence: missense variant.
Genome position (GRCh38, 1-based): chr1:6,468,116, A>G on the plus strand (T>C on the coding strand, the complement: PLEKHG5 is on the minus strand). VCF-style: chr1-6468116-A-G. GRCh37 (hg19) VCF-style: chr1-6528176-A-G.
Other names: p.Leu907Pro; c.2831T>C, p.Leu944Pro (NM_001042663.3, NM_001265592.2); c.2720T>C, p.Leu907Pro (NM_001042664.2, NM_001042665.2, NM_001265594.3 and 1 more transcripts); c.2927T>C, p.Leu976Pro (NM_001265593.2); c.2720T>C (NM_020631.5); short protein forms L907P, L976P, L944P.
Identifiers: ClinVar variation 195527 (VCV000195527.18), dbSNP rs764378556, ClinGen allele CA241977.

ClinVar aggregate classification (germline): Uncertain significance. Review status: criteria provided, multiple submitters, no conflicts (2 of 4 stars). 4 submissions from 4 submitters: Uncertain significance (4). Last evaluated 2023-06-16.

Conditions:
Charcot-Marie-Tooth disease recessive intermediate C. Also called: CHARCOT-MARIE-TOOTH NEUROPATHY, RECESSIVE INTERMEDIATE C. Identifiers: Orphanet 369867, MedGen C3809309, MONDO:0014154, OMIM 615376.
Neuronopathy, distal hereditary motor, autosomal recessive 4. Also called: Autosomal recessive lower motor neuron disease with childhood onset; NEUROPATHY, DISTAL HEREDITARY MOTOR, AUTOSOMAL RECESSIVE 4. Identifiers: Orphanet 206580, MedGen C1970211, MONDO:0012608, OMIM 611067.

Allele frequency attached by ClinVar (database versions not stated): gnomAD exomes 0.00001 and 0.00009; ExAC 0.00002; gnomAD 0.00003 and 0.00004; TOPMed 0.00005.

Submissions (4):

Mayo Clinic Laboratories, Mayo Clinic
Classification: Uncertain significance. Last evaluated: 2023-06-16. Review status: criteria provided, single submitter. Criteria: ACMG Guidelines, 2015. Collection method: clinical testing. Allele origin: germline. Observed: 1 variant allele.
Comment: PM2

Labcorp Genetics (formerly Invitae), Labcorp
Classification: Uncertain significance for Neuronopathy, distal hereditary motor, autosomal recessive 4; Charcot-Marie-Tooth disease recessive intermediate C. Last evaluated: 2022-03-09. Review status: criteria provided, single submitter. Criteria: Invitae Variant Classification Sherloc (09022015). Collection method: clinical testing. Allele origin: germline.
Comment: This sequence change replaces leucine, which is neutral and non-polar, with proline, which is neutral and non-polar, at codon 907 of the PLEKHG5 protein (p.Leu907Pro). This variant is present in population databases (rs764378556, gnomAD 0.004%). This variant has not been reported in the literature in individuals affected with PLEKHG5-related conditions. ClinVar contains an entry for this variant (Variation ID: 195527). Algorithms developed to predict the effect of missense changes on protein structure and function are either unavailable or do not agree on the potential impact of this missense change (SIFT: "Tolerated"; PolyPhen-2: "Possibly Damaging"; Align-GVGD: "Class C0"). In summary, the available evidence is currently insufficient to determine the role of this variant in disease. Therefore, it has been classified as a Variant of Uncertain Significance.

GeneDx
Classification: Uncertain significance. Last evaluated: 2020-05-29. Review status: criteria provided, single submitter. Criteria: GeneDx Variant Classification Process June 2021. Collection method: clinical testing. Allele origin: germline. Affected: yes.
Comment: Not observed at a significant frequency in large population cohorts (Lek et al., 2016); In silico analysis supports that this missense variant does not alter protein structure/function; Has not been previously published as pathogenic or benign to our knowledge

Eurofins Ntd Llc (ga)
Classification: Uncertain significance. Last evaluated: 2015-04-15. Review status: criteria provided, single submitter. Criteria: EGL Classification Definitions 2015. Collection method: clinical testing. Allele origin: germline. Observed: 1 variant allele, 1 heterozygote.